The following is an entry in ClinVar:

ClinVar aggregate classification (germline): Likely benign (1 of 4 stars; one submission).

Allele frequency attached by ClinVar (database versions not stated): gnomAD 0.00715 and 0.00776; TOPMed 0.00798; 1000 Genomes Project 0.01058; 1000 Genomes Project 30x 0.01077.
gnomAD v4.1: 1,077 of 151,870 alleles (0.71%); highest among the groups gnomAD compares: African/African-American, 2.5%; 15 homozygotes.

Submission:

GeneDx
Classification: Likely benign. Last evaluated: 2018-06-14. Review status: criteria provided, single submitter. Criteria: GeneDx Variant Classification (06012015). Collection method: clinical testing. Allele origin: germline. Affected: yes.
Comment: This variant is considered likely benign or benign based on one or more of the following criteria: it is a conservative change, it occurs at a poorly conserved position in the protein, it is predicted to be benign by multiple in silico algorithms, and/or has population frequency not consistent with disease.

NM_006939.4(SOS2):c.2958+263G>A

Gene: SOS2 (SOS Ras/Rho guanine nucleotide exchange factor 2; minus strand). Cytogenetic location: 14q21.3.
Variant type: single nucleotide variant.
Coding change: c.2958+263G>A on transcript NM_006939.4 (MANE Select); 263 bases into the intron after coding-DNA position 2958, G replaced by A.
Molecular consequence: intron variant.
Genome position (GRCh38, 1-based): chr14:50,138,349, C>T on the plus strand (G>A on the coding strand, the complement: SOS2 is on the minus strand). VCF-style: chr14-50138349-C-T. GRCh37 (hg19) VCF-style: chr14-50605067-C-T.
Identifiers: ClinVar variation 561922 (VCV000561922.1), dbSNP rs143771743, ClinGen allele CA260719034.